The following is an entry in ClinVar:

NM_000163.5(GHR):c.267-2A>G

Gene: GHR (growth hormone receptor; plus strand). Cytogenetic location: 5p12.
Variant type: single nucleotide variant.
Coding change: c.267-2A>G on transcript NM_000163.5 (MANE Select); the canonical splice acceptor site of the intron before coding-DNA position 267, A replaced by G.
Molecular consequence: splice acceptor variant.
Genome position (GRCh38, 1-based): chr5:42,694,915, A>G. VCF-style: chr5-42694915-A-G. GRCh37 (hg19) VCF-style: chr5-42695017-A-G.
Other names: c.201-2A>G (NM_001242460.2); c.267-2A>G (NM_001242400.2, NM_001242401.4, NM_001242402.2 and 5 more transcripts); c.288-2A>G (NM_001242399.2).
Identifiers: ClinVar variation 869191 (VCV000869191.5), dbSNP rs1757597156, ClinGen allele CA359694972.

ClinVar aggregate classification (germline): Pathogenic/Likely pathogenic. Review status: criteria provided, multiple submitters, no conflicts (2 of 4 stars). 2 submissions from 2 submitters: Pathogenic (1); Likely pathogenic (1). Last evaluated 2023-02-14.

Conditions:
Laron-type isolated somatotropin defect. Also called: GROWTH HORMONE RECEPTOR DEFICIENCY; Laron Syndrome; Growth hormone binding protein deficiency or dysfunction; Growth hormone receptor deficiency or dysfunction; Laron dwarfism; Laron type pituitary dwarfism I. Identifiers: Orphanet 633, MedGen C0271568, MONDO:0009877, OMIM 262500.

Submissions (2):

Labcorp Genetics (formerly Invitae), Labcorp
Classification: Likely pathogenic. Last evaluated: 2023-02-14. Review status: criteria provided, single submitter. Criteria: Invitae Variant Classification Sherloc (09022015). Collection method: clinical testing. Allele origin: germline.
Comment: This sequence change affects an acceptor splice site in intron 4 of the GHR gene. It is expected to disrupt RNA splicing. Variants that disrupt the donor or acceptor splice site typically lead to a loss of protein function (PMID: 16199547), and loss-of-function variants in GHR are known to be pathogenic (PMID: 1999489, 8488849). This variant is not present in population databases (gnomAD no frequency). This variant has not been reported in the literature in individuals affected with GHR-related conditions. ClinVar contains an entry for this variant (Variation ID: 869191). Algorithms developed to predict the effect of sequence changes on RNA splicing suggest that this variant may disrupt the consensus splice site. In summary, the currently available evidence indicates that the variant is pathogenic, but additional data are needed to prove that conclusively. Therefore, this variant has been classified as Likely Pathogenic.

Baylor-Hopkins Center for Mendelian Genomics, Johns Hopkins University School of Medicine
Classification: Pathogenic for Laron-type isolated somatotropin defect. Review status: criteria provided, single submitter. Criteria: ACMG Guidelines, 2015. Collection method: research. Allele origin: germline. Affected: yes. Observed: 2 variant alleles, 2 homozygotes.

Literature cited by the submitters: PubMed 16199547 (cited by Labcorp Genetics (formerly Invitae), Labcorp); PubMed 1999489 (cited by Labcorp Genetics (formerly Invitae), Labcorp); PubMed 8488849 (cited by Labcorp Genetics (formerly Invitae), Labcorp).